The following is an entry in ClinVar:

NM_001040716.2(PC):c.2723C>T (p.Thr908Met)

Gene: PC (pyruvate carboxylase; minus strand). Cytogenetic location: 11q13.2.
Variant type: single nucleotide variant.
Coding change: c.2723C>T on transcript NM_001040716.2 (MANE Select); coding-DNA position 2723, C replaced by T.
Protein change: p.Thr908Met; replaces threonine 908 with methionine.
Molecular consequence: missense variant.
Genome position (GRCh38, 1-based): chr11:66,850,112, G>A on the plus strand (C>T on the coding strand, the complement: PC is on the minus strand). VCF-style: chr11-66850112-G-A. GRCh37 (hg19) VCF-style: chr11-66617583-G-A.
Other names: p.T908M:ACG>ATG; c.2723C>T, p.Thr908Met (NM_000920.4, NM_022172.3); short protein forms T908M.
Identifiers: ClinVar variation 203924 (VCV000203924.3), dbSNP rs796052032, ClinGen allele CA312930.

ClinVar aggregate classification (germline): Likely pathogenic. Review status: criteria provided, single submitter (1 of 4 stars). 2 submissions from 2 submitters: Likely pathogenic (1). 1 of the submissions does not count toward it. Last evaluated 2014-09-29.

Conditions:
Pyruvate carboxylase deficiency. Also called: LEIGH NECROTIZING ENCEPHALOPATHY DUE TO PYRUVATE CARBOXYLASE DEFICIENCY; LEIGH SYNDROME DUE TO PYRUVATE CARBOXYLASE DEFICIENCY; PC DEFICIENCY; ATAXIA WITH LACTIC ACIDOSIS II; Pyruvate Carboxylase Deficiency Disease. Identifiers: Orphanet 3008, MedGen C0034341, MONDO:0009949, OMIM 266150.

Allele frequency attached by ClinVar (database versions not stated): gnomAD exomes below 0.00001.

Submissions (2):

GeneDx
Classification: Likely pathogenic. Last evaluated: 2014-09-29. Review status: criteria provided, single submitter. Criteria: GeneDx Variant Classification (06012015). Collection method: clinical testing. Allele origin: germline. Affected: yes.
Comment: p.Thr908Met (ACG>ATG): c.2723 C>T in exon 19 of the PC gene (NM_000920.3) A T908M variant that is likely pathogenic was identified in the PC gene. It has not been published as a mutation, nor has it been reported as a benign polymorphism to our knowledge. The T908M variant is a non conservative amino acid substitution, which is likely to impact secondary protein structure as these residues differ in polarity, charge, size and/or other properties. This substitution occurs at a position that is conserved across species and in silico analysis predicts this variant is probably damaging to the protein structure/function. Therefore, this variant is a strong candidate for a pathogenic mutation, however the possibility that it is a benign variant cannot be excluded. The variant is found in MITONUC-MITOP panel(s).

Counsyl
Classification: Uncertain significance for Pyruvate carboxylase deficiency. Last evaluated: 2018-06-06. Review status: no assertion criteria provided. Collection method: clinical testing. Allele origin: unknown. Not counted in ClinVar's aggregate classification.